The following is an entry in ClinVar:

NM_001378454.1(ALMS1):c.10909C>G (p.Gln3637Glu)

Gene: ALMS1 (ALMS1 centrosome and basal body associated protein; plus strand). Cytogenetic location: 2p13.1.
Variant type: single nucleotide variant.
Coding change: c.10909C>G on transcript NM_001378454.1 (MANE Select); coding-DNA position 10909, C replaced by G.
Protein change: p.Gln3637Glu; replaces glutamine 3637 with glutamic acid.
Molecular consequence: missense variant.
Genome position (GRCh38, 1-based): chr2:73,572,786, C>G. VCF-style: chr2-73572786-C-G. GRCh37 (hg19) VCF-style: chr2-73799913-C-G.
Other names: c.10912C>G, p.Gln3638Glu (NM_015120.4); short protein forms Q3638E, Q3637E.
Identifiers: ClinVar variation 1377282 (VCV001377282.3), dbSNP rs754108525, ClinGen allele CA1715089.

ClinVar aggregate classification (germline): Uncertain significance (1 of 4 stars; one submission).

Conditions:
Alstrom syndrome (ALMS). Identifiers: Orphanet 64, MedGen C0268425, MONDO:0008763, OMIM 203800.

Allele frequency attached by ClinVar (database versions not stated): gnomAD exomes below 0.00001; ExAC 0.00001.
gnomAD v4.1: 1 of 1,614,072 alleles (0.000062%); highest among the groups gnomAD compares: East Asian, 0.0022%; no homozygotes.

Submission:

Labcorp Genetics (formerly Invitae), Labcorp
Classification: Uncertain significance for Alstrom syndrome. Last evaluated: 2022-03-09. Review status: criteria provided, single submitter. Criteria: Invitae Variant Classification Sherloc (09022015). Collection method: clinical testing. Allele origin: germline.
Comment: This sequence change replaces glutamine, which is neutral and polar, with glutamic acid, which is acidic and polar, at codon 3638 of the ALMS1 protein (p.Gln3638Glu). This variant is present in population databases (rs754108525, gnomAD 0.006%). This variant has not been reported in the literature in individuals affected with ALMS1-related conditions. Experimental studies and prediction algorithms are not available or were not evaluated, and the functional significance of this variant is currently unknown. In summary, the available evidence is currently insufficient to determine the role of this variant in disease. Therefore, it has been classified as a Variant of Uncertain Significance.